The following is an entry in ClinVar:

ClinVar aggregate classification (germline): Benign. Review status: criteria provided, multiple submitters, no conflicts (2 of 4 stars). 6 submissions from 6 submitters: Benign (5). 1 of the submissions does not count toward it. Last evaluated 2024-11-28.

Conditions:
Hydatidiform mole, recurrent, 1 (HYDM1). Identifiers: Orphanet 254688, Orphanet 99927, MedGen C3463897, MONDO:0009273, OMIM 231090. Disease mechanism: loss of function.

Allele frequency attached by ClinVar (database versions not stated): ExAC 0.34043; gnomAD exomes 0.34076 and 0.34206; 1000 Genomes Project 0.35543; 1000 Genomes Project 30x 0.36134; gnomAD 0.38803 and 0.39585; ESP Exome Variant Server 0.38874; TOPMed 0.39420.

Submissions (6):

Blueprint Genetics
Classification: Benign. Last evaluated: 2024-11-28. Review status: criteria provided, single submitter. Criteria: ACMG Guidelines, 2015. Collection method: clinical testing. Allele origin: germline.

Illumina Laboratory Services, Illumina
Classification: Benign for Hydatidiform mole, recurrent, 1. Last evaluated: 2018-01-13. Review status: criteria provided, single submitter. Criteria: ICSL Variant Classification Criteria 13 December 2019. Collection method: clinical testing. Allele origin: germline.
Comment: This variant was observed in the ICSL laboratory as part of a predisposition screen in an ostensibly healthy population. It had not been previously curated by ICSL or reported in the Human Gene Mutation Database (HGMD: prior to June 1st, 2018), and was therefore a candidate for classification through an automated scoring system. Utilizing variant allele frequency, disease prevalence and penetrance estimates, and inheritance mode, an automated score was calculated to assess if this variant is too frequent to cause the disease. Based on the score and internal cut-off values, a variant classified as benign is not then subjected to further curation. The score for this variant resulted in a classification of benign for this disease.

Laboratory for Molecular Medicine, Mass General Brigham Personalized Medicine
Classification: Benign. Last evaluated: 2016-03-28. Review status: criteria provided, single submitter. Criteria: LMM Criteria. Collection method: clinical testing. Allele origin: germline.
Comment: Variant identified in a genome or exome case(s) and assessed due to predicted null impact of the variant or pathogenic assertions in the literature or databases. Disclaimer: This variant has not undergone full assessment. The following are preliminary notes: Frequency

Genome Diagnostics Laboratory, University Medical Center Utrecht
Classification: Benign for Hydatidiform mole, recurrent, 1. Last evaluated: 2014-10-10. Review status: criteria provided, single submitter. Criteria: ACGS Guidelines, 2013. Collection method: clinical testing. Allele origin: germline. Affected: yes. Study: VKGL Data-share Consensus.

Breakthrough Genomics
Classification: Benign. Review status: criteria provided, single submitter. Criteria: ACMG Guidelines, 2015. Collection method: not provided. Allele origin: germline. Inheritance: Autosomal recessive inheritance. Affected: yes.

Diagnostic Laboratory, Department of Genetics, University Medical Center Groningen
Classification: Benign for Hydatidiform mole, recurrent, 1. Review status: no assertion criteria provided. Collection method: clinical testing. Allele origin: germline. Affected: yes. Study: VKGL Data-share Consensus. Not counted in ClinVar's aggregate classification.

NM_001127255.2(NLRP7):c.390G>A (p.Gln130=)

Gene: NLRP7 (NLR family pyrin domain containing 7; minus strand). Cytogenetic location: 19q13.42.
Variant type: single nucleotide variant.
Coding change: c.390G>A on transcript NM_001127255.2 (MANE Select); coding-DNA position 390, G replaced by A.
Protein change: p.Gln130=; no amino-acid change (glutamine 130 retained).
Molecular consequence: synonymous variant.
Genome position (GRCh38, 1-based): chr19:54,940,429, C>T on the plus strand (G>A on the coding strand, the complement: NLRP7 is on the minus strand). VCF-style: chr19-54940429-C-T. GRCh37 (hg19) VCF-style: chr19-55451797-C-T.
Other names: c.390G>A, p.Gln130= (NM_001405531.1, NM_139176.4, NM_206828.4).
Identifiers: ClinVar variation 330183 (VCV000330183.12), dbSNP rs775883, ClinGen allele CA310019862.